The following is an entry in ClinVar:

NM_002907.4(RECQL):c.1054G>T (p.Asp352Tyr)

Gene: RECQL (RecQ like helicase; minus strand). Cytogenetic location: 12p12.1.
Variant type: single nucleotide variant.
Coding change: c.1054G>T on transcript NM_002907.4 (MANE Select); coding-DNA position 1054, G replaced by T.
Protein change: p.Asp352Tyr; replaces aspartic acid 352 with tyrosine.
Molecular consequence: missense variant.
Genome position (GRCh38, 1-based): chr12:21,475,720, C>A on the plus strand (G>T on the coding strand, the complement: RECQL is on the minus strand). VCF-style: chr12-21475720-C-A. GRCh37 (hg19) VCF-style: chr12-21628654-C-A.
Other names: c.1054G>T, p.Asp352Tyr (NM_032941.3); short protein forms D352Y.
Identifiers: ClinVar variation 4740675 (VCV004740675.1).
Genomic context (GRCh38, chr12:21,475,720, plus strand): 5'-AAGATATAGACCTAACCTGAATTTCATTGGCTGACCATTTTCTATGAACTGTGGTCTTAT[C>A]TTCTGGCTCCAAATTGGCATGGTAAGCACCTGCATGAATTCCCAGATTCTGCAAACTAAC-3'
Protein context (NP_002898.2, residues 342-362): GAYHANLEPE[Asp352Tyr]KTTVHRKWSA

ClinVar aggregate classification (germline): Uncertain significance (1 of 4 stars; one submission).

Submission:

Labcorp Genetics (formerly Invitae), Labcorp
Classification: Uncertain significance. Last evaluated: 2025-06-18. Review status: criteria provided, single submitter. Criteria: Invitae Variant Classification Sherloc (09022015). Collection method: clinical testing. Allele origin: germline.
Comment: This sequence change replaces aspartic acid, which is acidic and polar, with tyrosine, which is neutral and polar, at codon 352 of the RECQL protein (p.Asp352Tyr). This variant is not present in population databases (gnomAD no frequency). This variant has not been reported in the literature in individuals affected with RECQL-related conditions. Invitae Evidence Modeling of protein sequence and biophysical properties (such as structural, functional, and spatial information, amino acid conservation, physicochemical variation, residue mobility, and thermodynamic stability) indicates that this missense variant is not expected to disrupt RECQL protein function with a negative predictive value of 80%. Algorithms developed to predict the effect of sequence changes on RNA splicing suggest that this variant may disrupt the consensus splice site. In summary, the available evidence is currently insufficient to determine the role of this variant in disease. Therefore, it has been classified as a Variant of Uncertain Significance.